The following is an entry in ClinVar:

NM_012448.4(STAT5B):c.2293G>A (p.Val765Ile)

Gene: STAT5B (signal transducer and activator of transcription 5B; minus strand). Cytogenetic location: 17q21.2.
Variant type: single nucleotide variant.
Coding change: c.2293G>A on transcript NM_012448.4 (MANE Select); coding-DNA position 2293, G replaced by A.
Protein change: p.Val765Ile; replaces valine 765 with isoleucine.
Molecular consequence: missense variant.
Genome position (GRCh38, 1-based): chr17:42,201,809, C>T on the plus strand (G>A on the coding strand, the complement: STAT5B is on the minus strand). VCF-style: chr17-42201809-C-T. GRCh37 (hg19) VCF-style: chr17-40353827-C-T.
Other names: short protein forms V765I.
Identifiers: ClinVar variation 998972 (VCV000998972.9), dbSNP rs780699949, ClinGen allele CA8573802.

ClinVar aggregate classification (germline): Uncertain significance (1 of 4 stars; one submission).

Conditions:
Growth hormone insensitivity with immune dysregulation 1, autosomal recessive. Also called: GROWTH HORMONE INSENSITIVITY SYNDROME WITH IMMUNE DYSREGULATION 1, AUTOSOMAL RECESSIVE; GROWTH HORMONE INSENSITIVITY DUE TO POSTRECEPTOR DEFECT; LARON SYNDROME DUE TO POSTRECEPTOR DEFECT; Laron syndrome with immunodeficiency. Identifiers: Orphanet 220465, MedGen C5435698, MONDO:0100211, OMIM 245590.

Allele frequency attached by ClinVar (database versions not stated): gnomAD exomes 0.00001; ExAC 0.00002.
gnomAD v4.1: 12 of 1,614,100 alleles (0.00074%); highest among the groups gnomAD compares: African/African-American, 0.0013%; no homozygotes.

Submission:

Labcorp Genetics (formerly Invitae), Labcorp
Classification: Uncertain significance for Growth hormone insensitivity with immune dysregulation 1, autosomal recessive. Last evaluated: 2022-03-29. Review status: criteria provided, single submitter. Criteria: Invitae Variant Classification Sherloc (09022015). Collection method: clinical testing. Allele origin: germline.
Comment: Algorithms developed to predict the effect of missense changes on protein structure and function (SIFT, PolyPhen-2, Align-GVGD) all suggest that this variant is likely to be tolerated. ClinVar contains an entry for this variant (Variation ID: 998972). This variant has not been reported in the literature in individuals affected with STAT5B-related conditions. This variant is present in population databases (rs780699949, gnomAD 0.003%). This sequence change replaces valine, which is neutral and non-polar, with isoleucine, which is neutral and non-polar, at codon 765 of the STAT5B protein (p.Val765Ile). In summary, the available evidence is currently insufficient to determine the role of this variant in disease. Therefore, it has been classified as a Variant of Uncertain Significance.